The following is an entry in ClinVar:

NM_000082.4(ERCC8):c.1125del (p.Thr376fs)

Gene: ERCC8 (ERCC excision repair 8, CSA ubiquitin ligase complex subunit; minus strand). Cytogenetic location: 5q12.1.
Variant type: Deletion.
Coding change: c.1125del on transcript NM_000082.4 (MANE Select); coding-DNA position 1125, one base deleted (T; older notation c.1125delT).
Protein change: p.Thr376fs; shifts the reading frame from threonine 376.
Molecular consequence: frameshift variant.
Genome position (GRCh38, 1-based): chr5:60,874,681, A deleted on the plus strand (T on the coding strand, the reverse complement: ERCC8 is on the minus strand). VCF-style (leftmost placement, unchanged base first): chr5-60874680-TA-T. GRCh37 (hg19) VCF-style: chr5-60170507-TA-T.
Other names: c.951del, p.Thr318fs (NM_001007233.3); c.666del, p.Thr223fs (NM_001290285.2); c.1125delT (NM_000082.3); short protein forms T376fs, T223fs, T318fs.
Identifiers: ClinVar variation 554003 (VCV000554003.8), dbSNP rs1554071508, ClinGen allele CA658821240.

ClinVar aggregate classification (germline): Uncertain significance. Review status: criteria provided, single submitter (1 of 4 stars). 2 submissions from 2 submitters: Uncertain significance (1). 1 of the submissions does not count toward it. Last evaluated 2025-11-01.

Conditions:
Cockayne syndrome type 1. Also called: Cockayne syndrome type I; Cockayne syndrome classical; Cockayne syndrome classic form. Identifiers: Orphanet 191, Orphanet 90321, MedGen C0751039, MONDO:0019569, OMIM 216400.

Allele frequency attached by ClinVar (database versions not stated): gnomAD exomes below 0.00001; TOPMed 0.00001.

Submissions (2):

CeGaT Center for Human Genetics Tuebingen
Classification: Uncertain significance. Last evaluated: 2025-11-01. Review status: criteria provided, single submitter. Criteria: CeGaT Center For Human Genetics Tuebingen Variant Classification Criteria Version 2. Collection method: clinical testing. Allele origin: germline. Affected: yes. Observed: 1 variant allele.
Comment: ERCC8: PM2, PVS1:Moderate, PM3:Supporting

Counsyl
Classification: Uncertain significance for Cockayne syndrome type 1. Last evaluated: 2017-09-21. Review status: no assertion criteria provided. Collection method: clinical testing. Allele origin: unknown. Not counted in ClinVar's aggregate classification.